The following is an entry in ClinVar:

ClinVar aggregate classification (germline): Uncertain significance (1 of 4 stars; one submission).

Conditions:
Encephalopathy due to GLUT1 deficiency. Also called: GLUCOSE TRANSPORT DEFECT, BLOOD-BRAIN BARRIER; GLUT1 deficiency syndrome 1; Classic Glucose Transporter Type 1 Deficiency Syndrome; Glucose transporter protein syndrome; De Vivo disease; GLUT1 deficiency syndrome 1, infantile onset, severe. Identifiers: Orphanet 71277, MedGen C4551966, MONDO:0011724, OMIM 606777.

Submission:

Institute of Human Genetics, University of Leipzig Medical Center
Classification: Uncertain significance for Encephalopathy due to GLUT1 deficiency. Last evaluated: 2023-03-01. Review status: criteria provided, single submitter. Criteria: ACMG Guidelines, 2015. Collection method: clinical testing. Allele origin: unknown. Affected: yes.
Comment: _x000D_ Criteria applied: PM1, PM2_SUP, PP3

NM_006516.4(SLC2A1):c.839T>A (p.Leu280Gln)

Gene: SLC2A1 (solute carrier family 2 member 1; minus strand). Cytogenetic location: 1p34.2.
Variant type: single nucleotide variant.
Coding change: c.839T>A on transcript NM_006516.4 (MANE Select); coding-DNA position 839, T replaced by A.
Protein change: p.Leu280Gln; replaces leucine 280 with glutamine.
Molecular consequence: missense variant.
Genome position (GRCh38, 1-based): chr1:42,929,621, A>T on the plus strand (T>A on the coding strand, the complement: SLC2A1 is on the minus strand). VCF-style: chr1-42929621-A-T. GRCh37 (hg19) VCF-style: chr1-43395292-A-T.
Other names: short protein forms L280Q.
Identifiers: ClinVar variation 2500340 (VCV002500340.1), dbSNP rs2524991448, ClinGen allele CA339957278.
Genomic context (GRCh38, chr1:42,929,621, plus strand): 5'-GGGGCACAGGAAGGGTGGGTGGGGGCACTCACAGCGTTGATGCCAGACAGCTGCTGGGAC[A>T]GCTGCAGCACCACAGCGATGAGGATGGGCTGGCGGTAGGCGGGGGAGCGGAACAGCTCCA-3'
Protein context (NP_006507.2, residues 270-290): QPILIAVVLQ[Leu280Gln]SQQLSGINAV